The following is an entry in ClinVar:

NC_000002.12:g.(?_110123791)_(110201494_?)del

Gene: NPHP1 (nephrocystin 1; minus strand). Cytogenetic location: 2q13.
Variant type: Deletion.
Identifiers: ClinVar variation 833368 (VCV000833368.1).

ClinVar aggregate classification (germline): Pathogenic (1 of 4 stars; one submission).

Conditions:
Nephronophthisis. Also called: Juvenile Nephronophthisis. Identifiers: Orphanet 655, MedGen C0687120, MONDO:0019005, HP:0000090.

Submission:

Labcorp Genetics (formerly Invitae), Labcorp
Classification: Pathogenic for Nephronophthisis. Last evaluated: 2019-10-21. Review status: criteria provided, single submitter. Criteria: Invitae Variant Classification Sherloc (09022015). Collection method: clinical testing. Allele origin: germline.
Comment: This variant is a gross deletion of the genomic region encompassing exons 2-20 of the NPHP1 gene. The 5' boundary is likely confined to intron 1. The 3' end of this event is unknown as it extends through the termination codon beyond the assayed region for this gene and may encompass additional genes. While this deletion is not anticipated to result in nonsense mediated decay, it is expected to create a truncated protein product or disrupt mRNA translation. This variant has not been reported in the literature in individuals with NPHP1-related conditions. This variant disrupts the C-terminus of the NPHP1 protein. Other variant(s) that disrupt this region (p.Trp685*) have been determined to be pathogenic (PMID: 23559409, Invitae). This suggests that variants that disrupt this region of the protein are likely to be causative of disease. For these reasons, this variant has been classified as Pathogenic.

Literature cited by the submitters: PubMed 23559409.